The following is an entry in ClinVar:

NM_014795.4(ZEB2):c.1687A>G (p.Ile563Val)

Gene: ZEB2 (zinc finger E-box binding homeobox 2; minus strand). Cytogenetic location: 2q22.3.
Variant type: single nucleotide variant.
Coding change: c.1687A>G on transcript NM_014795.4 (MANE Select); coding-DNA position 1687, A replaced by G.
Protein change: p.Ile563Val; replaces isoleucine 563 with valine.
Molecular consequence: missense variant.
Genome position (GRCh38, 1-based): chr2:144,399,500, T>C on the plus strand (A>G on the coding strand, the complement: ZEB2 is on the minus strand). VCF-style: chr2-144399500-T-C. GRCh37 (hg19) VCF-style: chr2-145157067-T-C.
Other names: c.1615A>G, p.Ile539Val (NM_001171653.2); short protein forms I539V, I563V.
Identifiers: ClinVar variation 1706325 (VCV001706325.3), dbSNP rs2549106590, ClinGen allele CA348710422.

ClinVar aggregate classification (germline): Likely benign (1 of 4 stars; one submission).

Allele frequency attached by ClinVar (database versions not stated): gnomAD exomes below 0.00001.
gnomAD v4.1: 1 of 1,614,218 alleles (0.000062%); highest among the groups gnomAD compares: Non-Finnish European, 0.000085%; no homozygotes.

Submission:

GeneDx
Classification: Likely benign. Last evaluated: 2022-10-06. Review status: criteria provided, single submitter. Criteria: GeneDx Variant Classification Process June 2021. Collection method: clinical testing. Allele origin: germline.
Comment: See Variant Classification Assertion Criteria.